The following is an entry in ClinVar:

ClinVar aggregate classification (germline): Uncertain significance. Review status: criteria provided, multiple submitters, no conflicts (2 of 4 stars). 2 submissions from 2 submitters: Uncertain significance (2). Last evaluated 2022-05-18.

Conditions:
Inborn genetic diseases. Identifiers: MedGen C0950123, MeSH D030342.
Hereditary spastic paraplegia 11. Also called: Nakamura Osame syndrome; Autosomal recessive hereditary spastic paraplegia, mental impairment, and thin corpus callosum; Spastic paraplegia, mental retardation and thin corpus callosum; SPASTIC PARAPLEGIA, AUTOSOMAL RECESSIVE, COMPLICATED, WITH THIN CORPUS CALLOSUM; SPASTIC PARAPLEGIA, AUTOSOMAL RECESSIVE, WITH MENTAL IMPAIRMENT AND THIN CORPUS CALLOSUM; Spastic Paraplegia 11. Identifiers: Orphanet 2822, MedGen C1858479, MONDO:0011445, OMIM 604360.

Allele frequency attached by ClinVar (database versions not stated): ExAC 0.00001.
gnomAD v4.1: 2 of 1,613,854 alleles (0.00012%); highest among the groups gnomAD compares: South Asian, 0.0022%; no homozygotes.

Submissions (2):

Ambry Genetics
Classification: Uncertain significance for Inborn genetic diseases. Last evaluated: 2022-05-18. Review status: criteria provided, single submitter. Criteria: Ambry Variant Classification Scheme 2023. Collection method: clinical testing. Allele origin: germline.

Labcorp Genetics (formerly Invitae), Labcorp
Classification: Uncertain significance for Hereditary spastic paraplegia 11. Last evaluated: 2022-01-21. Review status: criteria provided, single submitter. Criteria: Invitae Variant Classification Sherloc (09022015). Collection method: clinical testing. Allele origin: germline.
Comment: This variant has not been reported in the literature in individuals affected with SPG11-related conditions. In summary, the available evidence is currently insufficient to determine the role of this variant in disease. Therefore, it has been classified as a Variant of Uncertain Significance. Algorithms developed to predict the effect of missense changes on protein structure and function (SIFT, PolyPhen-2, Align-GVGD) all suggest that this variant is likely to be disruptive. ClinVar contains an entry for this variant (Variation ID: 534842). This variant is present in population databases (rs774455763, gnomAD 0.006%). This sequence change replaces alanine, which is neutral and non-polar, with glycine, which is neutral and non-polar, at codon 1366 of the SPG11 protein (p.Ala1366Gly).

NM_025137.4(SPG11):c.4097C>G (p.Ala1366Gly)

Gene: SPG11 (SPG11 vesicle trafficking associated, spatacsin; minus strand). Cytogenetic location: 15q21.1.
Variant type: single nucleotide variant.
Coding change: c.4097C>G on transcript NM_025137.4 (MANE Select); coding-DNA position 4097, C replaced by G.
Protein change: p.Ala1366Gly; replaces alanine 1366 with glycine.
Molecular consequence: missense variant.
Genome position (GRCh38, 1-based): chr15:44,596,848, G>C on the plus strand (C>G on the coding strand, the complement: SPG11 is on the minus strand). VCF-style: chr15-44596848-G-C. GRCh37 (hg19) VCF-style: chr15-44889046-G-C.
Other names: c.4097C>G, p.Ala1366Gly (NM_001160227.2); short protein forms A1366G.
Identifiers: ClinVar variation 534842 (VCV000534842.11), dbSNP rs774455763, ClinGen allele CA7534762.